The following is an entry in ClinVar:

NM_145868.2(ANXA11):c.1354C>T (p.Arg452Trp)

Gene: ANXA11 (annexin A11; minus strand). Cytogenetic location: 10q22.3.
Variant type: single nucleotide variant.
Coding change: c.1354C>T on transcript NM_145868.2 (MANE Select); coding-DNA position 1354, C replaced by T.
Protein change: p.Arg452Trp; replaces arginine 452 with tryptophan.
Molecular consequence: missense variant.
Genome position (GRCh38, 1-based): chr10:80,157,745, G>A on the plus strand (C>T on the coding strand, the complement: ANXA11 is on the minus strand). VCF-style: chr10-80157745-G-A. GRCh37 (hg19) VCF-style: chr10-81917501-G-A.
Other names: c.1354C>T, p.Arg452Trp (NM_001157.3, NM_001278407.2, NM_001278408.2 and 1 more transcripts); c.1255C>T, p.Arg419Trp (NM_001278409.2); c.1354C>T (NM_145869.1); short protein forms R419W, R452W.
Identifiers: ClinVar variation 2066173 (VCV002066173.6), dbSNP rs150671497, ClinGen allele CA5575786.

ClinVar aggregate classification (germline): Benign. Review status: criteria provided, single submitter (1 of 4 stars). 2 submissions from 2 submitters: Benign (1). 1 of the submissions does not count toward it. Last evaluated 2025-10-19.

Conditions:
ANXA11-related disorder. Also called: ANXA11-related condition.

Allele frequency attached by ClinVar (database versions not stated): ESP Exome Variant Server 0.00008; TOPMed 0.00008; gnomAD 0.00046; gnomAD exomes 0.00087; ExAC 0.00205; 1000 Genomes Project 30x 0.00265; 1000 Genomes Project 0.00280.
gnomAD v4.1: 1,335 of 1,613,668 alleles (0.083%); highest among the groups gnomAD compares: South Asian, 1.4%; 20 homozygotes.

Submissions (2):

Labcorp Genetics (formerly Invitae), Labcorp
Classification: Benign. Last evaluated: 2025-10-19. Review status: criteria provided, single submitter. Criteria: Invitae Variant Classification Sherloc (09022015). Collection method: clinical testing. Allele origin: germline.

PreventionGenetics, part of Exact Sciences
Classification: Benign for ANXA11-related condition. Last evaluated: 2019-04-19. Review status: no assertion criteria provided. Collection method: clinical testing. Allele origin: germline. Not counted in ClinVar's aggregate classification.
Comment: This variant is classified as benign based on ACMG/AMP sequence variant interpretation guidelines (Richards et al. 2015 PMID: 25741868, with internal and published modifications).